The following is an entry in ClinVar:

ClinVar aggregate classification (germline): Uncertain significance (1 of 4 stars; one submission).

Submission:

Labcorp Genetics (formerly Invitae), Labcorp
Classification: Uncertain significance. Last evaluated: 2022-10-10. Review status: criteria provided, single submitter. Criteria: Invitae Variant Classification Sherloc (09022015). Collection method: clinical testing. Allele origin: germline.
Comment: In summary, the available evidence is currently insufficient to determine the role of this variant in disease. Therefore, it has been classified as a Variant of Uncertain Significance. This variant has not been reported in the literature in individuals affected with ATP1A1-related conditions. This variant results in a copy number gain of the genomic region encompassing exon(s) 2-23 of the ATP1A1 gene. This region includes the termination codon of the gene. This copy number gain extends beyond the assayed region for this gene and therefore may encompass additional genes. As the precise location of this event is unknown, it may be in tandem or it may be located elsewhere in the genome.

NC_000001.10:g.(?_116926616)_(116947066_?)dup

Gene: ATP1A1 (ATPase Na+/K+ transporting subunit alpha 1; plus strand). Cytogenetic location: 1p13.1.
Variant type: Duplication.
Identifiers: ClinVar variation 2423348 (VCV002423348.4).